The following is an entry in ClinVar:

NM_000466.3(PEX1):c.2387T>C (p.Leu796Pro)

Gene: PEX1 (peroxisomal biogenesis factor 1; minus strand). Cytogenetic location: 7q21.2.
Variant type: single nucleotide variant.
Coding change: c.2387T>C on transcript NM_000466.3 (MANE Select); coding-DNA position 2387, T replaced by C.
Protein change: p.Leu796Pro; replaces leucine 796 with proline.
Molecular consequence: missense variant.
Genome position (GRCh38, 1-based): chr7:92,501,919, A>G on the plus strand (T>C on the coding strand, the complement: PEX1 is on the minus strand). VCF-style: chr7-92501919-A-G. GRCh37 (hg19) VCF-style: chr7-92131233-A-G.
Other names: c.2216T>C, p.Leu739Pro (NM_001282677.2); c.1763T>C, p.Leu588Pro (NM_001282678.2); short protein forms L588P, L739P, L796P.
Identifiers: ClinVar variation 3907420 (VCV003907420.1).
Genomic context (GRCh38, chr7:92,501,919, plus strand): 5'-TCCAAGTTCAGGTTTTAATAGTAAAACATACTTTCTCTGGTGGATATACTCTGACGAGAG[A>G]GTCGAGAATGTATGGCTCGATCCACAAGTACTGTAAAATCTCTAGCCACAAACCCGCCAG-3'
Protein context (NP_000457.1, residues 786-806): VLVDRAIHSR[Leu796Pro]SRQSISTREK

ClinVar aggregate classification (germline): Uncertain significance (1 of 4 stars; one submission).

gnomAD v4.1: 1 of 1,613,990 alleles (0.000062%); highest among the groups gnomAD compares: Non-Finnish European, 0.000085%; no homozygotes.

Submission:

Women's Health and Genetics/Laboratory Corporation of America, LabCorp
Classification: Uncertain significance. Last evaluated: 2025-06-03. Review status: criteria provided, single submitter. Criteria: LabCorp Variant Classification Summary - May 2015. Collection method: clinical testing. Allele origin: germline.
Comment: Variant summary: PEX1 c.2387T>C (p.Leu796Pro) results in a non-conservative amino acid change in the encoded protein sequence. Algorithms developed to predict the effect of missense changes on protein structure and function all suggest that this variant is likely to be disruptive. The variant was absent in 251230 control chromosomes (gnomAD). The available data on variant occurrences in the general population are insufficient to allow any conclusion about variant significance. c.2387T>C has been observed in an individual affected with Zellweger Syndrome (Rosewich_2005). These data do not allow any conclusion about variant significance. To our knowledge, no experimental evidence demonstrating an impact on protein function has been reported. The following publication has been ascertained in the context of this evaluation (PMID: 16141001). No submitters have cited clinical-significance assessments for this variant to ClinVar. Based on the evidence outlined above, the variant was classified as uncertain significance.

Literature cited by the submitters: PubMed 16141001.